The following is an entry in ClinVar:

ClinVar aggregate classification (germline): Pathogenic. Review status: criteria provided, single submitter (1 of 4 stars). 2 submissions from 2 submitters: Pathogenic (1). 1 of the submissions does not count toward it. Last evaluated 2023-12-30.

Conditions:
Usher syndrome type 1F (USH1F). Also called: USHER SYNDROME, TYPE IF. Identifiers: Orphanet 231169, Orphanet 886, MedGen C1865885, MONDO:0011186, OMIM 602083.

Submissions (2):

Labcorp Genetics (formerly Invitae), Labcorp
Classification: Pathogenic. Last evaluated: 2023-12-30. Review status: criteria provided, single submitter. Criteria: Invitae Variant Classification Sherloc (09022015). Collection method: clinical testing. Allele origin: germline.
Comment: This sequence change creates a premature translational stop signal (p.Ser1523Thrfs*2) in the PCDH15 gene. While this is not anticipated to result in nonsense mediated decay, it is expected to disrupt the last 433 amino acid(s) of the PCDH15 protein. This variant is not present in population databases (gnomAD no frequency). This variant has not been reported in the literature in individuals affected with PCDH15-related conditions. ClinVar contains an entry for this variant (Variation ID: 555627). Algorithms developed to predict the effect of sequence changes on RNA splicing suggest that this variant may disrupt the consensus splice site. This variant disrupts a region of the PCDH15 protein in which other variant(s) (p.Val1578Alafs*6) have been determined to be pathogenic (PMID: 33089500; Invitae). This suggests that this is a clinically significant region of the protein, and that variants that disrupt it are likely to be disease-causing. For these reasons, this variant has been classified as Pathogenic.

Counsyl
Classification: Uncertain significance for Usher syndrome type 1F. Last evaluated: 2017-12-14. Review status: no assertion criteria provided. Collection method: clinical testing. Allele origin: unknown. Not counted in ClinVar's aggregate classification.

Literature cited by the submitters: PubMed 33089500 (cited by Labcorp Genetics (formerly Invitae), Labcorp).

NM_033056.4(PCDH15):c.4561_4565dup (p.Ser1523fs)

Gene: PCDH15 (protocadherin related 15; minus strand). Cytogenetic location: 10q21.1.
Variant type: Duplication.
Coding change: c.4561_4565dup on transcript NM_033056.4 (MANE Plus Clinical); coding-DNA positions 4561 to 4565, 5 bases duplicated (GACTT; older notation c.4561_4565dupGACTT).
Protein change: p.Ser1523fs; shifts the reading frame from serine 1523.
Molecular consequence: frameshift variant. On other transcripts: intron variant (8).
Genome position (GRCh38, 1-based): chr10:53,823,161-53,823,165, AAGTC duplicated on the plus strand (GACTT on the coding strand, the reverse complement: PCDH15 is on the minus strand); duplicating any 5 consecutive bases within chr10:53,823,161-53,823,166 gives the same sequence; the c. name uses the placement nearest the transcript's 3' end. VCF-style (leftmost placement, unchanged base first): chr10-53823160-T-TAAGTC. GRCh37 (hg19) VCF-style: chr10-55582920-T-TAAGTC.
Other names: c.4582_4586dup, p.Ser1530fs (NM_001142763.2); c.4567_4571dup, p.Ser1525fs (NM_001142764.2); c.4354_4358dup, p.Ser1454fs (NM_001142765.2); c.4552_4556dup, p.Ser1520fs (NM_001142766.2); c.4441_4445dup, p.Ser1483fs (NM_001142767.2); c.4501_4505dup, p.Ser1503fs (NM_001142768.2); c.4492_4496dup, p.Ser1500fs (NM_001142773.2); c.4495_4499dup, p.Ser1501fs (NM_001354404.2); and 6 more; short protein forms S1483fs, S1500fs, S1501fs, S1520fs, S1523fs, S1530fs, S1454fs, S1503fs.
Identifiers: ClinVar variation 555627 (VCV000555627.5), dbSNP rs1554820894, ClinGen allele CA658823209.